The following is an entry in ClinVar:

ClinVar aggregate classification (germline): Uncertain significance. Review status: criteria provided, multiple submitters, no conflicts (2 of 4 stars). 3 submissions from 3 submitters: Uncertain significance (3). Last evaluated 2024-12-07.

Conditions:
Combined oxidative phosphorylation defect type 27. Also called: Combined oxidative phosphorylation deficiency 27. Identifiers: Orphanet 477774, MedGen C5567608, MONDO:0014728, OMIM 616672.
Inborn genetic diseases. Identifiers: MedGen C0950123, MeSH D030342.

Allele frequency attached by ClinVar (database versions not stated): gnomAD exomes 0.00001 and 0.00003; ExAC 0.00006; gnomAD 0.00007 and 0.00008; ESP Exome Variant Server 0.00008; TOPMed 0.00011.

Submissions (3):

Ambry Genetics
Classification: Uncertain significance for Inborn genetic diseases. Last evaluated: 2024-12-07. Review status: criteria provided, single submitter. Criteria: Ambry Variant Classification Scheme 2023. Collection method: clinical testing. Allele origin: germline.

GeneDx
Classification: Uncertain significance. Last evaluated: 2022-08-10. Review status: criteria provided, single submitter. Criteria: GeneDx Variant Classification Process June 2021. Collection method: clinical testing. Allele origin: germline. Affected: yes.
Comment: In silico analysis supports that this missense variant does not alter protein structure/function; Has not been previously published as pathogenic or benign to our knowledge

Labcorp Genetics (formerly Invitae), Labcorp
Classification: Uncertain significance for Combined oxidative phosphorylation defect type 27. Last evaluated: 2022-08-09. Review status: criteria provided, single submitter. Criteria: Invitae Variant Classification Sherloc (09022015). Collection method: clinical testing. Allele origin: germline.
Comment: This sequence change replaces glutamine, which is neutral and polar, with arginine, which is basic and polar, at codon 149 of the CARS2 protein (p.Gln149Arg). This variant is present in population databases (rs367861934, gnomAD 0.03%). This variant has not been reported in the literature in individuals affected with CARS2-related conditions. ClinVar contains an entry for this variant (Variation ID: 1413677). Algorithms developed to predict the effect of missense changes on protein structure and function (SIFT, PolyPhen-2, Align-GVGD) all suggest that this variant is likely to be tolerated. In summary, the available evidence is currently insufficient to determine the role of this variant in disease. Therefore, it has been classified as a Variant of Uncertain Significance.

NM_024537.4(CARS2):c.446A>G (p.Gln149Arg)

Gene: CARS2 (cysteinyl-tRNA synthetase 2, mitochondrial; minus strand). Cytogenetic location: 13q34.
Variant type: single nucleotide variant.
Coding change: c.446A>G on transcript NM_024537.4 (MANE Select); coding-DNA position 446, A replaced by G.
Protein change: p.Gln149Arg; replaces glutamine 149 with arginine.
Molecular consequence: missense variant. On other transcripts: 5 prime UTR variant (1), non-coding transcript variant (2).
Genome position (GRCh38, 1-based): chr13:110,687,966, T>C on the plus strand (A>G on the coding strand, the complement: CARS2 is on the minus strand). VCF-style: chr13-110687966-T-C. GRCh37 (hg19) VCF-style: chr13-111340313-T-C.
Other names: c.-554A>G (NM_001352252.2); c.446A>G, p.Gln149Arg (NM_001352253.3); c.446A>G (NM_024537.2); short protein forms Q149R.
Identifiers: ClinVar variation 1413677 (VCV001413677.6), dbSNP rs367861934, ClinGen allele CA7052254.